The following is an entry in ClinVar:

NM_001042492.3(NF1):c.5848_6006+269delinsTTTGTTTGGAATACATATGTATATAATTATATAGGATTATATGTAGGATTATATGTAGGATTATATTTATAATATAAATATATATT

Gene: NF1 (neurofibromin 1; plus strand). Cytogenetic location: 17q11.2.
Variant type: Indel.
Coding change: c.5848_6006+269delinsTTTGTTTGGAATACATATGTATATAATTATATAGGATTATATGTAGGATTATATGTAGGATTATATTTATAATATAAATATATATT on transcript NM_001042492.3 (MANE Select); coding-DNA position 5848 through 269 bases into the intron after coding-DNA position 6006, the reference bases replaced by an inserted sequence.
Molecular consequence: splice donor variant.
Genome position (GRCh38, 1-based): chr17:31,334,873-31,335,300, 428 bases replaced. GRCh37 (hg19): chr17:29,661,891-29,662,318.
Other names: c.5785_5943+269delinsTTTGTTTGGAATACATATGTATATAATTATATAGGATTATATGTAGGATTATATGTAGGATTATATTTATAATATAAATATATATT (NM_000267.4).
Identifiers: ClinVar variation 2731302 (VCV002731302.3), dbSNP rs2508736327, ClinGen allele CA2697559583.

ClinVar aggregate classification (germline): Pathogenic (1 of 4 stars; one submission).

Conditions:
Neurofibromatosis, type 1 (NF1). Also called: Neurofibromatosis, type I; NEUROFIBROMATOSIS, TYPE I, SOMATIC; Peripheral type neurofibromatosis; VON RECKLINGHAUSEN DISEASE. Identifiers: Orphanet 636, MedGen C0027831, MONDO:0018975, OMIM 162200. Disease mechanism: loss of function.

Submission:

Labcorp Genetics (formerly Invitae), Labcorp
Classification: Pathogenic for Neurofibromatosis, type 1. Last evaluated: 2023-06-27. Review status: criteria provided, single submitter. Criteria: Invitae Variant Classification Sherloc (09022015). Collection method: clinical testing. Allele origin: germline.
Comment: This variant results in the deletion of part of exon 39 (c.5785_5943+269delins86) of the NF1 gene. It is expected to disrupt RNA splicing. Variants that disrupt the donor or acceptor splice site typically lead to a loss of protein function (PMID: 16199547), and loss-of-function variants in NF1 are known to be pathogenic (PMID: 10712197, 23913538). This variant is not present in population databases (gnomAD no frequency). This variant has been observed in individual(s) with neurofibromatosis type 1 (Invitae). For these reasons, this variant has been classified as Pathogenic.

Literature cited by the submitters: PubMed 16199547; PubMed 10712197; PubMed 23913538.